The following is an entry in ClinVar:

ClinVar aggregate classification (germline): Uncertain significance. Review status: criteria provided, multiple submitters, no conflicts (2 of 4 stars). 2 submissions from 2 submitters: Uncertain significance (2). Last evaluated 2025-02-13.

Conditions:
Inborn genetic diseases. Identifiers: MedGen C0950123, MeSH D030342.
Congenital myasthenic syndrome 8. Also called: MYASTHENIC SYNDROME, CONGENITAL, DUE TO AGRIN DEFICIENCY; Myasthenic syndrome, congenital, 8, with pre- and postsynaptic defects. Identifiers: Orphanet 590, MedGen C3808739, MONDO:0014052, OMIM 615120.

Allele frequency attached by ClinVar (database versions not stated): ExAC 0.00001; gnomAD exomes 0.00001 and 0.00002; gnomAD 0.00003; TOPMed 0.00005; 1000 Genomes Project 30x 0.00016; 1000 Genomes Project 0.00020.
gnomAD v4.1: 12 of 1,612,904 alleles (0.00074%); highest among the groups gnomAD compares: African/African-American, 0.0067%; no homozygotes.

Submissions (2):

Ambry Genetics
Classification: Uncertain significance for Inborn genetic diseases. Last evaluated: 2025-02-13. Review status: criteria provided, single submitter. Criteria: Ambry Variant Classification Scheme 2023. Collection method: clinical testing. Allele origin: germline.

Labcorp Genetics (formerly Invitae), Labcorp
Classification: Uncertain significance for Congenital myasthenic syndrome 8. Last evaluated: 2022-10-17. Review status: criteria provided, single submitter. Criteria: Invitae Variant Classification Sherloc (09022015). Collection method: clinical testing. Allele origin: germline.
Comment: This sequence change replaces asparagine, which is neutral and polar, with aspartic acid, which is acidic and polar, at codon 832 of the AGRN protein (p.Asn832Asp). This variant is present in population databases (rs574793544, gnomAD 0.01%). This variant has not been reported in the literature in individuals affected with AGRN-related conditions. ClinVar contains an entry for this variant (Variation ID: 1406089). Algorithms developed to predict the effect of missense changes on protein structure and function are either unavailable or do not agree on the potential impact of this missense change (SIFT: "Deleterious"; PolyPhen-2: "Possibly Damaging"; Align-GVGD: "Class C0"). In summary, the available evidence is currently insufficient to determine the role of this variant in disease. Therefore, it has been classified as a Variant of Uncertain Significance.

NM_198576.4(AGRN):c.2494A>G (p.Asn832Asp)

Gene: AGRN (agrin; plus strand). Cytogenetic location: 1p36.33.
Variant type: single nucleotide variant.
Coding change: c.2494A>G on transcript NM_198576.4 (MANE Select); coding-DNA position 2494, A replaced by G.
Protein change: p.Asn832Asp; replaces asparagine 832 with aspartic acid.
Molecular consequence: missense variant.
Genome position (GRCh38, 1-based): chr1:1,045,481, A>G. VCF-style: chr1-1045481-A-G. GRCh37 (hg19) VCF-style: chr1-980861-A-G.
Other names: c.2494A>G, p.Asn832Asp (NM_001305275.2); c.2179A>G, p.Asn727Asp (NM_001364727.2); c.2494A>G (NM_198576.3); short protein forms N832D, N727D.
Identifiers: ClinVar variation 1406089 (VCV001406089.5), dbSNP rs574793544, ClinGen allele CA508647.